The following is an entry in ClinVar:

NM_000143.4(FH):c.9A>C (p.Arg3=)

Gene: FH (fumarate hydratase; minus strand). Cytogenetic location: 1q43.
Variant type: single nucleotide variant.
Coding change: c.9A>C on transcript NM_000143.4 (MANE Select); coding-DNA position 9, A replaced by C.
Protein change: p.Arg3=; no amino-acid change (arginine 3 retained).
Molecular consequence: synonymous variant.
Genome position (GRCh38, 1-based): chr1:241,519,714, T>G on the plus strand (A>C on the coding strand, the complement: FH is on the minus strand). VCF-style: chr1-241519714-T-G. GRCh37 (hg19) VCF-style: chr1-241683014-T-G.
Identifiers: ClinVar variation 823599 (VCV000823599.8), dbSNP rs941921568, ClinGen allele CA40338117.

ClinVar aggregate classification (germline): Benign/Likely benign. Review status: criteria provided, multiple submitters, no conflicts (2 of 4 stars). 3 submissions from 3 submitters: Benign (1); Likely benign (2). Last evaluated 2025-10-28.

Conditions:
Hereditary cancer-predisposing syndrome. Also called: Neoplastic Syndromes, Hereditary; Tumor predisposition; Hereditary Cancer Syndrome; Hereditary neoplastic syndrome. Identifiers: Orphanet 140162, MedGen C0027672, MeSH D009386, MONDO:0015356.
Hereditary leiomyomatosis and renal cell cancer. Also called: FH tumor predisposition syndrome; LEIOMYOMA, MULTIPLE CUTANEOUS; MULTIPLE CUTANEOUS AND UTERINE LEIOMYOMATA 1, WITH OR WITHOUT RENAL CELL CARCINOMA; Reed syndrome; Multiple cutaneous and uterine leiomyomatosis; Cutaneous leiomyomata with uterine leiomyomata. Identifiers: Orphanet 523, MedGen C1708350, MONDO:0007888, OMIM 150800, HP:0007437. Disease mechanism: loss of function.

Allele frequency attached by ClinVar (database versions not stated): gnomAD exomes below 0.00001; gnomAD 0.00001.
gnomAD v4.1: 3 of 1,546,696 alleles (0.00019%); highest among the groups gnomAD compares: African/African-American, 0.0027%; no homozygotes.

Submissions (3):

Labcorp Genetics (formerly Invitae), Labcorp
Classification: Likely benign. Last evaluated: 2025-10-28. Review status: criteria provided, single submitter. Criteria: Invitae Variant Classification Sherloc (09022015). Collection method: clinical testing. Allele origin: germline.

Myriad Genetics, Inc.
Classification: Benign for Hereditary leiomyomatosis and renal cell cancer. Last evaluated: 2024-10-17. Review status: criteria provided, single submitter. Criteria: Myriad Autosomal Dominant, Autosomal Recessive and X-Linked Classification Criteria (2023). Collection method: clinical testing. Allele origin: unknown.
Comment: This variant is considered benign. This variant is a silent/synonymous amino acid change and it is not expected to impact splicing.

Ambry Genetics
Classification: Likely benign for Hereditary cancer-predisposing syndrome. Last evaluated: 2019-09-19. Review status: criteria provided, single submitter. Criteria: Ambry Variant Classification Scheme 2023. Collection method: clinical testing. Allele origin: germline.